The following is an entry in ClinVar:

NM_001184880.2(PCDH19):c.1448del (p.Gly483fs)

Gene: PCDH19 (protocadherin 19; minus strand). Cytogenetic location: Xq22.1.
Variant type: Deletion.
Coding change: c.1448del on transcript NM_001184880.2 (MANE Select); coding-DNA position 1448, one base deleted (G; older notation c.1448delG).
Protein change: p.Gly483fs; shifts the reading frame from glycine 483.
Molecular consequence: frameshift variant.
Genome position (GRCh38, 1-based): chrX:100,407,150, C deleted on the plus strand (G on the coding strand, the reverse complement: PCDH19 is on the minus strand); the first of 3 consecutive C bases (chrX:100,407,150-100,407,152); deleting any one gives the same sequence. VCF-style (leftmost placement, unchanged base first): chrX-100407149-AC-A. GRCh37 (hg19) VCF-style: chrX-99662147-AC-A.
Other names: c.1448delG (NM_001184880.1); c.1448del, p.Gly483fs (NM_001105243.2, NM_020766.3); short protein forms G483fs.
Identifiers: ClinVar variation 817159 (VCV000817159.2), dbSNP rs1602636059, ClinGen allele CA915951270.

ClinVar aggregate classification (germline): Pathogenic (1 of 4 stars; one submission).

Submission:

GeneDx
Classification: Pathogenic. Last evaluated: 2021-02-02. Review status: criteria provided, single submitter. Criteria: GeneDx Variant Classification Process June 2021. Collection method: clinical testing. Allele origin: germline. Affected: yes.
Comment: Frameshift variant predicted to result in protein truncation or nonsense mediated decay in a gene for which loss-of-function is a known mechanism of disease; Not observed in large population cohorts (Lek et al., 2016); Has not been previously published as pathogenic or benign to our knowledge